The following is an entry in ClinVar:

NM_000264.5(PTCH1):c.472A>G (p.Met158Val)

Gene: PTCH1 (patched 1; minus strand). Cytogenetic location: 9q22.32.
Variant type: single nucleotide variant.
Coding change: c.472A>G on transcript NM_000264.5 (MANE Select); coding-DNA position 472, A replaced by G.
Protein change: p.Met158Val; replaces methionine 158 with valine.
Molecular consequence: missense variant. On other transcripts: non-coding transcript variant (1).
Genome position (GRCh38, 1-based): chr9:95,485,797, T>C on the plus strand (A>G on the coding strand, the complement: PTCH1 is on the minus strand). VCF-style: chr9-95485797-T-C. GRCh37 (hg19) VCF-style: chr9-98248079-T-C.
Other names: c.274A>G, p.Met92Val (NM_001083602.3, NM_001354919.2); c.469A>G, p.Met157Val (NM_001083603.3); c.19A>G, p.Met7Val (NM_001083604.3, NM_001083605.3, NM_001083606.3 and 1 more transcripts); c.472A>G, p.Met158Val (NM_001354918.2); short protein forms M92V, M157V, M158V, M7V.
Identifiers: ClinVar variation 839958 (VCV000839958.13), dbSNP rs758656848, ClinGen allele CA196537003.

ClinVar aggregate classification (germline): Uncertain significance. Review status: criteria provided, multiple submitters, no conflicts (2 of 4 stars). 2 submissions from 2 submitters: Uncertain significance (2). Last evaluated 2026-01-14.

Conditions:
Hereditary cancer-predisposing syndrome. Also called: Neoplastic Syndromes, Hereditary; Hereditary neoplastic syndrome; Tumor predisposition; Hereditary Cancer Syndrome. Identifiers: Orphanet 140162, MedGen C0027672, MeSH D009386, MONDO:0015356.
Gorlin syndrome. Also called: Nevoid Basal Cell Carcinoma Syndrome; Basal cell nevus syndrome. Identifiers: Orphanet 377, MedGen C0004779, MONDO:0007187.

Submissions (2):

Labcorp Genetics (formerly Invitae), Labcorp
Classification: Uncertain significance for Gorlin syndrome. Last evaluated: 2026-01-14. Review status: criteria provided, single submitter. Criteria: Invitae Variant Classification Sherloc (09022015). Collection method: clinical testing. Allele origin: germline.
Comment: This sequence change replaces methionine, which is neutral and non-polar, with valine, which is neutral and non-polar, at codon 158 of the PTCH1 protein (p.Met158Val). This variant is not present in population databases (gnomAD no frequency). This variant has not been reported in the literature in individuals affected with PTCH1-related conditions. ClinVar contains an entry for this variant (Variation ID: 839958). Invitae Evidence Modeling of protein sequence and biophysical properties (such as structural, functional, and spatial information, amino acid conservation, physicochemical variation, residue mobility, and thermodynamic stability) indicates that this missense variant is not expected to disrupt PTCH1 protein function with a negative predictive value of 95%. In summary, the available evidence is currently insufficient to determine the role of this variant in disease. Therefore, it has been classified as a Variant of Uncertain Significance.

Ambry Genetics
Classification: Uncertain significance for Hereditary cancer-predisposing syndrome. Last evaluated: 2024-05-31. Review status: criteria provided, single submitter. Criteria: Ambry Variant Classification Scheme 2023. Collection method: clinical testing. Allele origin: germline.
Comment: The p.M158V variant (also known as c.472A>G), located in coding exon 3 of the PTCH1 gene, results from an A to G substitution at nucleotide position 472. The methionine at codon 158 is replaced by valine, an amino acid with highly similar properties. This amino acid position is well conserved in available vertebrate species. In addition, this alteration is predicted to be deleterious by in silico analysis. Since supporting evidence is limited at this time, the clinical significance of this alteration remains unclear.